The following is an entry in ClinVar:

NM_001034852.3(SMOC1):c.296G>A (p.Arg99Gln)

Gene: SMOC1 (SPARC related modular calcium binding 1; plus strand). Cytogenetic location: 14q24.2.
Variant type: single nucleotide variant.
Coding change: c.296G>A on transcript NM_001034852.3 (MANE Select); coding-DNA position 296, G replaced by A.
Protein change: p.Arg99Gln; replaces arginine 99 with glutamine.
Molecular consequence: missense variant.
Genome position (GRCh38, 1-based): chr14:69,953,450, G>A. VCF-style: chr14-69953450-G-A. GRCh37 (hg19) VCF-style: chr14-70420167-G-A.
Other names: c.296G>A, p.Arg99Gln (NM_022137.6); short protein forms R99Q.
Identifiers: ClinVar variation 2257225 (VCV002257225.3), dbSNP rs749505789, ClinGen allele CA7246420.

ClinVar aggregate classification (germline): Uncertain significance (1 of 4 stars; one submission).

Conditions:
Inborn genetic diseases. Identifiers: MedGen C0950123, MeSH D030342.

Allele frequency attached by ClinVar (database versions not stated): gnomAD exomes 0.00001; gnomAD 0.00001; ExAC 0.00001; TOPMed 0.00002.
gnomAD v4.1: 15 of 1,614,096 alleles (0.00093%); highest among the groups gnomAD compares: Admixed American, 0.0017%; no homozygotes.

Submission:

Ambry Genetics
Classification: Uncertain significance for Inborn genetic diseases. Last evaluated: 2026-05-21. Review status: criteria provided, single submitter. Criteria: Ambry Variant Classification Scheme 2023. Collection method: clinical testing. Allele origin: germline.
Comment: The c.296G>A (p.R99Q) alteration is located in exon 3 (coding exon 3) of the SMOC1 gene. This alteration results from a G to A substitution at nucleotide position 296, causing the arginine (R) at amino acid position 99 to be replaced by a glutamine (Q). Based on data from gnomAD, the A allele has an overall frequency of 0.001% (2/251292) total alleles studied. The highest observed frequency was 0.002% (2/113588) of European (non-Finnish) alleles. This amino acid position is highly conserved in available vertebrate species. The in silico prediction for this alteration is inconclusive. Based on insufficient or conflicting evidence, the clinical significance of this alteration remains unclear.